The following is an entry in ClinVar:

ClinVar aggregate classification (germline): Likely benign. Review status: criteria provided, multiple submitters, no conflicts (2 of 4 stars). 3 submissions from 3 submitters: Likely benign (2). 1 of the submissions does not count toward it. Last evaluated 2024-12-24.

Conditions:
KMT2C-related disorder. Also called: KMT2C-related condition; KMT2C-related disorders.

gnomAD v4.1: 250 of 1,613,914 alleles (0.015%); highest among the groups gnomAD compares: Non-Finnish European, 0.019%; no homozygotes.

Submissions (3):

Labcorp Genetics (formerly Invitae), Labcorp
Classification: Likely benign. Last evaluated: 2024-12-24. Review status: criteria provided, single submitter. Criteria: Invitae Variant Classification Sherloc (09022015). Collection method: clinical testing. Allele origin: germline.

CeGaT Center for Human Genetics Tuebingen
Classification: Likely benign. Last evaluated: 2022-09-01. Review status: criteria provided, single submitter. Criteria: CeGaT Center For Human Genetics Tuebingen Variant Classification Criteria Version 2. Collection method: clinical testing. Allele origin: germline. Affected: yes. Observed: 1 variant allele.
Comment: KMT2C: BP4, BP7

PreventionGenetics, part of Exact Sciences
Classification: Likely benign for KMT2C-related condition. Last evaluated: 2019-08-15. Review status: no assertion criteria provided. Collection method: clinical testing. Allele origin: germline. Not counted in ClinVar's aggregate classification.
Comment: This variant is classified as likely benign based on ACMG/AMP sequence variant interpretation guidelines (Richards et al. 2015 PMID: 25741868, with internal and published modifications).

NM_170606.3(KMT2C):c.6339A>G (p.Ser2113=)

Gene: KMT2C (lysine methyltransferase 2C; minus strand). Cytogenetic location: 7q36.1.
Variant type: single nucleotide variant.
Coding change: c.6339A>G on transcript NM_170606.3 (MANE Select); coding-DNA position 6339, A replaced by G.
Protein change: p.Ser2113=; no amino-acid change (serine 2113 retained).
Molecular consequence: synonymous variant.
Genome position (GRCh38, 1-based): chr7:152,181,521, T>C on the plus strand (A>G on the coding strand, the complement: KMT2C is on the minus strand). VCF-style: chr7-152181521-T-C. GRCh37 (hg19) VCF-style: chr7-151878606-T-C.
Other names: c.6339A>G (NM_170606.2).
Identifiers: ClinVar variation 1625614 (VCV001625614.33), dbSNP rs73161892, ClinGen allele CA4580094.